The following is an entry in ClinVar:

NM_014865.4(NCAPD2):c.4190G>A (p.Arg1397His)

Gene: NCAPD2 (non-SMC condensin I complex subunit D2; plus strand). Cytogenetic location: 12p13.31.
Variant type: single nucleotide variant.
Coding change: c.4190G>A on transcript NM_014865.4 (MANE Select); coding-DNA position 4190, G replaced by A.
Protein change: p.Arg1397His; replaces arginine 1397 with histidine.
Molecular consequence: missense variant.
Genome position (GRCh38, 1-based): chr12:6,531,396, G>A. VCF-style: chr12-6531396-G-A. GRCh37 (hg19) VCF-style: chr12-6640562-G-A.
Other names: short protein forms R1397H.
Identifiers: ClinVar variation 1803334 (VCV001803334.2), dbSNP rs545349359, ClinGen allele CA6409322.

ClinVar aggregate classification (germline): Uncertain significance. Review status: criteria provided, multiple submitters, no conflicts (2 of 4 stars). 2 submissions from 2 submitters: Uncertain significance (2). Last evaluated 2024-11-26.

Conditions:
Inborn genetic diseases. Identifiers: MedGen C0950123, MeSH D030342.

Allele frequency attached by ClinVar (database versions not stated): gnomAD exomes 0.00004; TOPMed 0.00019.
gnomAD v4.1: 67 of 1,613,112 alleles (0.0042%); highest among the groups gnomAD compares: Admixed American, 0.068%; no homozygotes.

Submissions (2):

Ambry Genetics
Classification: Uncertain significance for Inborn genetic diseases. Last evaluated: 2024-11-26. Review status: criteria provided, single submitter. Criteria: Ambry Variant Classification Scheme 2023. Collection method: clinical testing. Allele origin: germline.

GeneDx
Classification: Uncertain significance. Last evaluated: 2022-06-09. Review status: criteria provided, single submitter. Criteria: GeneDx Variant Classification Process June 2021. Collection method: clinical testing. Allele origin: germline. Affected: yes.
Comment: In silico analysis supports that this missense variant does not alter protein structure/function; Has not been previously published as pathogenic or benign to our knowledge